The following is an entry in ClinVar:

NM_000206.3(IL2RG):c.878T>A (p.Leu293Gln)

Gene: IL2RG (interleukin 2 receptor subunit gamma; minus strand). Cytogenetic location: Xq13.1.
Variant type: single nucleotide variant.
Coding change: c.878T>A on transcript NM_000206.3 (MANE Select); coding-DNA position 878, T replaced by A.
Protein change: p.Leu293Gln; replaces leucine 293 with glutamine.
Molecular consequence: missense variant.
Genome position (GRCh38, 1-based): chrX:71,108,323, A>T on the plus strand (T>A on the coding strand, the complement: IL2RG is on the minus strand). VCF-style: chrX-71108323-A-T. GRCh37 (hg19) VCF-style: chrX-70328173-A-T.
Other names: L271Q; short protein forms L293Q.
Identifiers: ClinVar variation 10023 (VCV000010023.11), dbSNP rs137852510, ClinGen allele CA120883.
Genomic context (GRCh38, chrX:71,108,323, plus strand): 5'-GACAGCGTTCTCACCGAAAAGTTCCCGTGGTATTCAGTAACAAGATCCTCTAGGTTCTTC[A>T]GGGTGGGAATTCGGGGCATCGTCCTGACAGGGGAGAAAGAGGGAGCAGGAGCACATAGGT-3'
Protein context (NP_000197.1, residues 283-303): LERTMPRIPT[Leu293Gln]KNLEDLVTEY

ClinVar aggregate classification (germline): Pathogenic. Review status: criteria provided, single submitter (1 of 4 stars). 2 submissions from 2 submitters: Pathogenic (1). 1 of the submissions does not count toward it. Last evaluated 2026-01-11.

Conditions:
Combined immunodeficiency, X-linked (CIDX). Also called: IMMUNODEFICIENCY 6. Identifiers: MedGen C6022467, MONDO:0010730, OMIM 312863.
X-linked severe combined immunodeficiency (SCIDX1). Also called: IMMUNODEFICIENCY 4; X-Linked Combined Immunodeficiency Diseases; SCID, X-LINKED; SEVERE COMBINED IMMUNODEFICIENCY, X-LINKED, T CELL-NEGATIVE, B CELL-POSITIVE, NK CELL-NEGATIVE; T-B+ severe combined immunodeficiency due to gamma chain deficiency. Identifiers: Orphanet 276, MedGen C6022468, MONDO:0010315, OMIM 300400. Disease mechanism: loss of function.

Submissions (2):

Labcorp Genetics (formerly Invitae), Labcorp
Classification: Pathogenic for X-linked severe combined immunodeficiency. Last evaluated: 2026-01-11. Review status: criteria provided, single submitter. Criteria: Invitae Variant Classification Sherloc (09022015). Collection method: clinical testing. Allele origin: germline.
Comment: This sequence change replaces leucine, which is neutral and non-polar, with glutamine, which is neutral and polar, at codon 293 of the IL2RG protein (p.Leu293Gln). This variant is not present in population databases (gnomAD no frequency). This missense change has been observed in individual(s) with X-linked combined immunodeficiency (XCID) (PMID: 7883965, 12126929). It has also been observed to segregate with disease in related individuals. This variant is also known as Leu271Gln. ClinVar contains an entry for this variant (Variation ID: 10023). Invitae Evidence Modeling of protein sequence and biophysical properties (such as structural, functional, and spatial information, amino acid conservation, physicochemical variation, residue mobility, and thermodynamic stability) indicates that this missense variant is not expected to disrupt IL2RG protein function with a negative predictive value of 95%. Experimental studies have shown that this missense change affects IL2RG function (PMID: 7973658). For these reasons, this variant has been classified as Pathogenic.

OMIM
Classification: Pathogenic for COMBINED IMMUNODEFICIENCY, X-LINKED. Last evaluated: 1995-03-01. Review status: no assertion criteria provided. Collection method: literature only. Allele origin: germline. Not counted in ClinVar's aggregate classification.

Literature cited by the submitters: PubMed 7883965 (cited by Labcorp Genetics (formerly Invitae), Labcorp and OMIM); PubMed 12126929 (cited by Labcorp Genetics (formerly Invitae), Labcorp); PubMed 7973658 (cited by Labcorp Genetics (formerly Invitae), Labcorp).